The following is an entry in ClinVar:

NM_003105.6(SORL1):c.5105G>T (p.Arg1702Met)

Gene: SORL1 (sortilin related receptor 1; plus strand). Cytogenetic location: 11q24.1.
Variant type: single nucleotide variant.
Coding change: c.5105G>T on transcript NM_003105.6 (MANE Select); coding-DNA position 5105, G replaced by T.
Protein change: p.Arg1702Met; replaces arginine 1702 with methionine.
Molecular consequence: missense variant.
Genome position (GRCh38, 1-based): chr11:121,607,229, G>T. VCF-style: chr11-121607229-G-T. GRCh37 (hg19) VCF-style: chr11-121477938-G-T.
Other names: short protein forms R1702M.
Identifiers: ClinVar variation 2417525 (VCV002417525.6), dbSNP rs774446927, ClinGen allele CA6329839.

ClinVar aggregate classification (germline): Uncertain significance (1 of 4 stars; one submission).

Allele frequency attached by ClinVar (database versions not stated): gnomAD 0.00001; gnomAD exomes 0.00001; ExAC 0.00005; TOPMed 0.00005.

Submission:

Labcorp Genetics (formerly Invitae), Labcorp
Classification: Uncertain significance. Last evaluated: 2023-08-20. Review status: criteria provided, single submitter. Criteria: Invitae Variant Classification Sherloc (09022015). Collection method: clinical testing. Allele origin: germline.
Comment: This missense change has been observed in individual(s) with clinical features of SORL1-related conditions (PMID: 29376855). ClinVar contains an entry for this variant (Variation ID: 2417525). An algorithm developed to predict the effect of missense changes on protein structure and function (PolyPhen-2) suggests that this variant is likely to be disruptive. In summary, the available evidence is currently insufficient to determine the role of this variant in disease. Therefore, it has been classified as a Variant of Uncertain Significance. This variant is present in population databases (rs774446927, gnomAD 0.05%), and has an allele count higher than expected for a pathogenic variant. This sequence change replaces arginine, which is basic and polar, with methionine, which is neutral and non-polar, at codon 1702 of the SORL1 protein (p.Arg1702Met).

Literature cited by the submitters: PubMed 29376855.